The following is an entry in ClinVar:

ClinVar aggregate classification (germline): Uncertain significance (1 of 4 stars; one submission).

Allele frequency attached by ClinVar (database versions not stated): gnomAD exomes below 0.00001; ExAC 0.00001; gnomAD 0.00001; TOPMed 0.00002.
gnomAD v4.1: 3 of 1,613,440 alleles (0.00019%); highest among the groups gnomAD compares: Non-Finnish European, 0.00025%; no homozygotes.

Submission:

Ambry Genetics
Classification: Uncertain significance. Last evaluated: 2021-07-08. Review status: criteria provided, single submitter. Criteria: Ambry Variant Classification Scheme 2023. Collection method: clinical testing. Allele origin: germline.
Comment: The p.S752P variant (also known as c.2254T>C), located in coding exon 13 of the NPAT gene, results from a T to C substitution at nucleotide position 2254. The serine at codon 752 is replaced by proline, an amino acid with similar properties. This amino acid position is conserved. In addition, this alteration is predicted to be tolerated by in silico analysis. Since supporting evidence is limited at this time, the clinical significance of this alteration remains unclear.

NM_002519.3(NPAT):c.2254T>C (p.Ser752Pro)

Gene: NPAT (nuclear protein, coactivator of histone transcription; minus strand). Cytogenetic location: 11q22.3.
Variant type: single nucleotide variant.
Coding change: c.2254T>C on transcript NM_002519.3 (MANE Select); coding-DNA position 2254, T replaced by C.
Protein change: p.Ser752Pro; replaces serine 752 with proline.
Molecular consequence: missense variant.
Genome position (GRCh38, 1-based): chr11:108,172,730, A>G on the plus strand (T>C on the coding strand, the complement: NPAT is on the minus strand). VCF-style: chr11-108172730-A-G. GRCh37 (hg19) VCF-style: chr11-108043457-A-G.
Other names: c.2254T>C, p.Ser752Pro (NM_001321307.1); short protein forms S752P.
Identifiers: ClinVar variation 1788499 (VCV001788499.2), dbSNP rs747369150, ClinGen allele CA6263848.
Genomic context (GRCh38, chr11:108,172,730, plus strand): 5'-TTATAGTTGGCAGGTTTTCTCCATTAATACTAGAAACAGCACTGGTAAGTTCAGTATCTG[A>G]GGAAACAAATGGATCATCACTAATGATAACTTTGAGAGAGACGATATTTGATGCATCTAT-3'
Protein context (NP_002510.2, residues 742-762): VIISDDPFVS[Ser752Pro]DTELTSAVSS